The following is an entry in ClinVar:

NM_032806.6(POMGNT2):c.1136C>T (p.Thr379Met)

Gene: POMGNT2 (protein O-linked mannose N-acetylglucosaminyltransferase 2 (beta 1,4-); minus strand). Cytogenetic location: 3p22.1.
Variant type: single nucleotide variant.
Coding change: c.1136C>T on transcript NM_032806.6 (MANE Select); coding-DNA position 1136, C replaced by T.
Protein change: p.Thr379Met; replaces threonine 379 with methionine.
Molecular consequence: missense variant.
Genome position (GRCh38, 1-based): chr3:43,080,296, G>A on the plus strand (C>T on the coding strand, the complement: POMGNT2 is on the minus strand). VCF-style: chr3-43080296-G-A. GRCh37 (hg19) VCF-style: chr3-43121788-G-A.
Other names: c.1136C>T (NM_032806.4); short protein forms T379M.
Identifiers: ClinVar variation 1413918 (VCV001413918.7), dbSNP rs918586203, ClinGen allele CA74242978.

ClinVar aggregate classification (germline): Uncertain significance. Review status: criteria provided, multiple submitters, no conflicts (2 of 4 stars). 2 submissions from 2 submitters: Uncertain significance (2). Last evaluated 2025-07-15.

Conditions:
Inborn genetic diseases. Identifiers: MedGen C0950123, MeSH D030342.
Muscular dystrophy-dystroglycanopathy (congenital with brain and eye anomalies), type a, 8 (MDDGA8). Also called: WALKER-WARBURG SYNDROME OR MUSCLE-EYE-BRAIN DISEASE, GTDC2-RELATED. Identifiers: Orphanet 899, MedGen C3553813, MONDO:0013904, OMIM 614830.

Allele frequency attached by ClinVar (database versions not stated): gnomAD 0.00001; TOPMed 0.00001; gnomAD exomes 0.00002.
gnomAD v4.1: 29 of 1,614,094 alleles (0.0018%); highest among the groups gnomAD compares: South Asian, 0.0044%; no homozygotes.

Submissions (2):

Ambry Genetics
Classification: Uncertain significance for Inborn genetic diseases. Last evaluated: 2025-07-15. Review status: criteria provided, single submitter. Criteria: Ambry Variant Classification Scheme 2023. Collection method: clinical testing. Allele origin: germline.

Labcorp Genetics (formerly Invitae), Labcorp
Classification: Uncertain significance for Muscular dystrophy-dystroglycanopathy (congenital with brain and eye anomalies), type a, 8. Last evaluated: 2022-04-25. Review status: criteria provided, single submitter. Criteria: Invitae Variant Classification Sherloc (09022015). Collection method: clinical testing. Allele origin: germline.
Comment: In summary, the available evidence is currently insufficient to determine the role of this variant in disease. Therefore, it has been classified as a Variant of Uncertain Significance. Algorithms developed to predict the effect of missense changes on protein structure and function are either unavailable or do not agree on the potential impact of this missense change (SIFT: "Deleterious"; PolyPhen-2: "Probably Damaging"; Align-GVGD: "Class C0"). This variant has not been reported in the literature in individuals affected with POMGNT2-related conditions. This variant is not present in population databases (gnomAD no frequency). This sequence change replaces threonine, which is neutral and polar, with methionine, which is neutral and non-polar, at codon 379 of the POMGNT2 protein (p.Thr379Met).